The following is an entry in ClinVar:

ClinVar aggregate classification (germline): Uncertain significance (1 of 4 stars; one submission).

Allele frequency attached by ClinVar (database versions not stated): gnomAD exomes below 0.00001.

Submission:

GeneDx
Classification: Uncertain significance. Last evaluated: 2022-04-11. Review status: criteria provided, single submitter. Criteria: GeneDx Variant Classification Process June 2021. Collection method: clinical testing. Allele origin: germline. Affected: yes.
Comment: In silico analysis supports that this missense variant does not alter protein structure/function; Has not been previously published as pathogenic or benign to our knowledge

NM_001372044.2(SHANK3):c.5182G>A (p.Ala1728Thr)

Gene: SHANK3 (SH3 and multiple ankyrin repeat domains 3; plus strand). Cytogenetic location: 22q13.33.
Variant type: single nucleotide variant.
Coding change: c.5182G>A on transcript NM_001372044.2 (MANE Select); coding-DNA position 5182, G replaced by A.
Protein change: p.Ala1728Thr; replaces alanine 1728 with threonine.
Molecular consequence: missense variant.
Genome position (GRCh38, 1-based): chr22:50,731,073, G>A. VCF-style: chr22-50731073-G-A. GRCh37 (hg19) VCF-style: chr22-51169501-G-A.
Other names: c.4957G>A, p.Ala1653Thr (NM_033517.1); short protein forms A1653T, A1728T.
Identifiers: ClinVar variation 1710786 (VCV001710786.2), dbSNP rs1569119719, ClinGen allele CA515267435.